The following is an entry in ClinVar:

ClinVar aggregate classification (germline): Uncertain significance (1 of 4 stars; one submission).

Conditions:
Cardiovascular phenotype. Identifiers: MedGen CN230736.

Submission:

Molecular Diagnostic Laboratory for Inherited Cardiovascular Disease, Montreal Heart Institute
Classification: Uncertain significance for Cardiovascular phenotype. Last evaluated: 2026-09-21. Review status: criteria provided, single submitter. Criteria: ACMG Guidelines, 2015. Collection method: clinical testing. Allele origin: germline. Affected: yes.
Comment: PM1, PM2, PP3

NM_015978.3(TNNI3K):c.1462G>C (p.Ala488Pro)

Genes: FPGT-TNNI3K (FPGT-TNNI3K readthrough; plus strand), TNNI3K (TNNI3 interacting kinase; plus strand). Cytogenetic location: 1p31.1.
Variant type: single nucleotide variant.
Coding change: c.1462G>C on transcript NM_015978.3 (MANE Select); coding-DNA position 1462, G replaced by C.
Protein change: p.Ala488Pro; replaces alanine 488 with proline.
Molecular consequence: missense variant.
Genome position (GRCh38, 1-based): chr1:74,369,254, G>C. VCF-style: chr1-74369254-G-C. GRCh37 (hg19) VCF-style: chr1-74834938-G-C.
Other names: c.1765G>C, p.Ala589Pro (NM_001112808.3, NM_001199327.2); short protein forms A488P, A589P.
Identifiers: ClinVar variation 5037882 (VCV005037882.1).